The following is an entry in ClinVar:

ClinVar aggregate classification (germline): Uncertain significance. Review status: criteria provided, multiple submitters, no conflicts (2 of 4 stars). 2 submissions from 2 submitters: Uncertain significance (2). Last evaluated 2021-09-24.

Conditions:
Inborn genetic diseases. Identifiers: MedGen C0950123, MeSH D030342.
Fanconi anemia (FA). Also called: Fanconi's anemia. Identifiers: Orphanet 84, MedGen C0015625, MeSH D005199, MONDO:0019391.

Allele frequency attached by ClinVar (database versions not stated): gnomAD 0.00001; ExAC 0.00001; gnomAD exomes below 0.00001.
gnomAD v4.1: 8 of 1,613,842 alleles (0.0005%); highest among the groups gnomAD compares: African/African-American, 0.0027%; no homozygotes.

Submissions (2):

Labcorp Genetics (formerly Invitae), Labcorp
Classification: Uncertain significance for Fanconi anemia. Last evaluated: 2021-09-24. Review status: criteria provided, single submitter. Criteria: Invitae Variant Classification Sherloc (09022015). Collection method: clinical testing. Allele origin: germline.
Comment: This sequence change replaces asparagine with serine at codon 1213 of the FANCD2 protein (p.Asn1213Ser). The asparagine residue is moderately conserved and there is a small physicochemical difference between asparagine and serine. This variant is present in population databases (rs771903324, ExAC 0.009%). This variant has not been reported in the literature in individuals with FANCD2-related conditions. Algorithms developed to predict the effect of missense changes on protein structure and function output the following: SIFT: "Tolerated"; PolyPhen-2: "Benign"; Align-GVGD: "Class C0". The serine amino acid residue is found in multiple mammalian species, suggesting that this missense change does not adversely affect protein function. These predictions have not been confirmed by published functional studies and their clinical significance is uncertain. In summary, the available evidence is currently insufficient to determine the role of this variant in disease. Therefore, it has been classified as a Variant of Uncertain Significance.

Ambry Genetics
Classification: Uncertain significance for Inborn genetic diseases. Last evaluated: 2021-06-18. Review status: criteria provided, single submitter. Criteria: Ambry Variant Classification Scheme 2023. Collection method: clinical testing. Allele origin: germline.

NM_001018115.3(FANCD2):c.3638A>G (p.Asn1213Ser)

Genes: FANCD2 (FA complementation group D2; plus strand), FANCD2OS (FANCD2 opposite strand; minus strand). Cytogenetic location: 3p25.3.
Variant type: single nucleotide variant.
Coding change: c.3638A>G on transcript NM_001018115.3 (MANE Select); coding-DNA position 3638, A replaced by G.
Protein change: p.Asn1213Ser; replaces asparagine 1213 with serine.
Molecular consequence: missense variant. On other transcripts: intron variant (1).
Genome position (GRCh38, 1-based): chr3:10,088,905, A>G. VCF-style: chr3-10088905-A-G. GRCh37 (hg19) VCF-style: chr3-10130589-A-G.
Other names: c.3638A>G, p.Asn1213Ser (NM_001319984.2, NM_001374254.1, NM_033084.6); c.3527A>G, p.Asn1176Ser (NM_001374253.1); c.*44-7374T>C (NM_173472.2); short protein forms N1213S, N1176S.
Identifiers: ClinVar variation 1354183 (VCV001354183.7), dbSNP rs771903324, ClinGen allele CA2250463.